The following is an entry in ClinVar:

ClinVar aggregate classification (germline): Pathogenic/Likely pathogenic. Review status: criteria provided, multiple submitters, no conflicts (2 of 4 stars). 3 submissions from 3 submitters: Pathogenic (1); Likely pathogenic (2). Last evaluated 2024-12-25.

Conditions:
Hereditary cancer-predisposing syndrome. Also called: Hereditary Cancer Syndrome; Tumor predisposition; Hereditary neoplastic syndrome; Neoplastic Syndromes, Hereditary. Identifiers: Orphanet 140162, MedGen C0027672, MeSH D009386, MONDO:0015356.
Nijmegen breakage syndrome-like disorder (NBSLD). Also called: MICROCEPHALY AND SPONTANEOUS CHROMOSOME INSTABILITY WITHOUT IMMUNODEFICIENCY; NBS-LIKE DISORDER; RAD50 DEFICIENCY. Identifiers: Orphanet 240760, MedGen C2751318, MONDO:0013118, OMIM 613078.

Allele frequency attached by ClinVar (database versions not stated): gnomAD exomes below 0.00001; ExAC 0.00001.
gnomAD v4.1: 1 of 1,613,470 alleles (0.000062%); highest among the groups gnomAD compares: Admixed American, 0.0017%; no homozygotes.

Submissions (3):

Quest Diagnostics Nichols Institute San Juan Capistrano
Classification: Likely pathogenic. Last evaluated: 2024-12-25. Review status: criteria provided, single submitter. Criteria: Quest Diagnostics criteria. Collection method: clinical testing. Allele origin: unknown.
Comment: The RAD50 c.1360C>T (p.Gln454*) variant is predicted to cause the premature termination of RAD50 protein synthesis. To the best of our knowledge, this variant has not been reported in the published literature. The frequency of this variant in the general population (Genome Aggregation Database) is uninformative in the assessment of its pathogenicity. Due to an unsupported RAD50 heterozygote risk association with cancer, this variant is classified as a variant of uncertain significance for cancer and likely pathogenic for Nijmegen breakage syndrome-like disorder.

Labcorp Genetics (formerly Invitae), Labcorp
Classification: Pathogenic for Hereditary cancer-predisposing syndrome. Last evaluated: 2024-06-15. Review status: criteria provided, single submitter. Criteria: Invitae Variant Classification Sherloc (09022015). Collection method: clinical testing. Allele origin: germline.
Comment: This sequence change creates a premature translational stop signal (p.Gln454*) in the RAD50 gene. It is expected to result in an absent or disrupted protein product. Loss-of-function variants in RAD50 are known to be pathogenic (PMID: 19409520). This variant is present in population databases (rs758641567, gnomAD 0.003%). This variant has not been reported in the literature in individuals affected with RAD50-related conditions. ClinVar contains an entry for this variant (Variation ID: 645705). Algorithms developed to predict the effect of sequence changes on RNA splicing suggest that this variant may disrupt the consensus splice site. For these reasons, this variant has been classified as Pathogenic.

Baylor Genetics
Classification: Likely pathogenic for Nijmegen breakage syndrome-like disorder. Last evaluated: 2023-09-13. Review status: criteria provided, single submitter. Criteria: ACMG Guidelines, 2015. Collection method: clinical testing. Allele origin: unknown.

Literature cited by the submitters: PubMed 19409520 (cited by Labcorp Genetics (formerly Invitae), Labcorp).

NM_005732.4(RAD50):c.1360C>T (p.Gln454Ter)

Gene: RAD50 (RAD50 double strand break repair protein; plus strand). Cytogenetic location: 5q31.1.
Variant type: single nucleotide variant.
Coding change: c.1360C>T on transcript NM_005732.4 (MANE Select); coding-DNA position 1360, C replaced by T.
Protein change: p.Gln454Ter; replaces glutamine 454 with a stop codon.
Molecular consequence: nonsense.
Genome position (GRCh38, 1-based): chr5:132,589,745, C>T. VCF-style: chr5-132589745-C-T. GRCh37 (hg19) VCF-style: chr5-131925437-C-T.
Other names: short protein forms Q454*.
Identifiers: ClinVar variation 645705 (VCV000645705.11), dbSNP rs758641567, ClinGen allele CA3405159.